The following is an entry in ClinVar:

NM_004006.3(DMD):c.10677T>C (p.Ile3559=)

Gene: DMD (dystrophin; minus strand). Cytogenetic location: Xp21.2.
Variant type: single nucleotide variant.
Coding change: c.10677T>C on transcript NM_004006.3 (MANE Select); coding-DNA position 10677, T replaced by C.
Protein change: p.Ile3559=; no amino-acid change (isoleucine 3559 retained).
Molecular consequence: synonymous variant.
Genome position (GRCh38, 1-based): chrX:31,147,395, A>G on the plus strand (T>C on the coding strand, the complement: DMD is on the minus strand). VCF-style: chrX-31147395-A-G. GRCh37 (hg19) VCF-style: chrX-31165512-A-G.
Other names: c.10653T>C, p.Ile3551= (NM_000109.4); c.10665T>C, p.Ile3555= (NM_004009.3); c.10308T>C, p.Ile3436= (NM_004010.3); c.6654T>C, p.Ile2218= (NM_004011.4); c.6645T>C, p.Ile2215= (NM_004012.4); c.3297T>C, p.Ile1099= (NM_004013.3, NM_004021.3); c.2490T>C, p.Ile830= (NM_004014.3); c.1473T>C, p.Ile491= (NM_004015.3, NM_004016.3); and 3 more.
Identifiers: ClinVar variation 598681 (VCV000598681.26), dbSNP rs765950547, ClinGen allele CA10377548.

ClinVar aggregate classification (germline): Conflicting classifications of pathogenicity. Review status: criteria provided, conflicting classifications (1 of 4 stars). 7 submissions from 7 submitters: Uncertain significance (1); Likely benign (5). 1 of the submissions does not count toward it. Last evaluated 2026-03-27.

Conditions:
Dystrophin deficiency.
Duchenne muscular dystrophy (DMD). Also called: Duchenne Muscular Dystrophy (DMD); MUSCULAR DYSTROPHY, PSEUDOHYPERTROPHIC PROGRESSIVE, DUCHENNE TYPE. Identifiers: Orphanet 98896, MedGen C0013264, MONDO:0010679, OMIM 310200.
Cardiovascular phenotype. Identifiers: MedGen CN230736.

Allele frequency attached by ClinVar (database versions not stated): ExAC 0.00001; gnomAD 0.00002; gnomAD exomes 0.00002; TOPMed 0.00003.
gnomAD v4.1: 25 of 1,207,570 alleles (0.0021%); highest among the groups gnomAD compares: Admixed American, 0.011%; no homozygotes.

Submissions (7):

Molecular Diagnostic Laboratory for Inherited Cardiovascular Disease, Montreal Heart Institute
Classification: Likely benign. Last evaluated: 2026-03-27. Review status: criteria provided, single submitter. Criteria: ACMG Guidelines, 2015. Collection method: clinical testing. Allele origin: germline. Affected: no.
Comment: BP7

Labcorp Genetics (formerly Invitae), Labcorp
Classification: Likely benign for Duchenne muscular dystrophy. Last evaluated: 2026-01-28. Review status: criteria provided, single submitter. Criteria: Invitae Variant Classification Sherloc (09022015). Collection method: clinical testing. Allele origin: germline.

Blueprint Genetics
Classification: Likely benign. Last evaluated: 2022-02-22. Review status: criteria provided, single submitter. Criteria: ACMG Guidelines, 2015. Collection method: clinical testing. Allele origin: germline.

Ambry Genetics
Classification: Likely benign for Cardiovascular phenotype. Last evaluated: 2020-03-16. Review status: criteria provided, single submitter. Criteria: Ambry Variant Classification Scheme 2023. Collection method: clinical testing. Allele origin: germline.

ARUP Laboratories, Molecular Genetics and Genomics, ARUP Laboratories
Classification: Likely benign. Last evaluated: 2018-12-06. Review status: criteria provided, single submitter. Criteria: ARUP Molecular Germline Variant Investigation Process. Collection method: clinical testing. Allele origin: germline.

Eurofins Ntd Llc (ga)
Classification: Uncertain significance. Last evaluated: 2018-09-13. Review status: criteria provided, single submitter. Criteria: EGL ClinVar v180209 classification definitions. Collection method: clinical testing. Allele origin: germline. Observed: 1 variant allele, 1 heterozygote.

Natera, Inc.
Classification: Likely benign for Dystrophin deficiency. Last evaluated: 2020-04-11. Review status: no assertion criteria provided. Collection method: clinical testing. Allele origin: germline. Not counted in ClinVar's aggregate classification.